The following is an entry in ClinVar:

NM_002911.4(UPF1):c.1984G>A (p.Asp662Asn)

Gene: UPF1 (UPF1 RNA helicase and ATPase; plus strand). Cytogenetic location: 19p13.11.
Variant type: single nucleotide variant.
Coding change: c.1984G>A on transcript NM_002911.4 (MANE Select); coding-DNA position 1984, G replaced by A.
Protein change: p.Asp662Asn; replaces aspartic acid 662 with asparagine.
Molecular consequence: missense variant.
Genome position (GRCh38, 1-based): chr19:18,857,335, G>A. VCF-style: chr19-18857335-G-A. GRCh37 (hg19) VCF-style: chr19-18968144-G-A.
Other names: c.2017G>A, p.Asp673Asn (NM_001297549.2); short protein forms D662N, D673N.
Identifiers: ClinVar variation 3341108 (VCV003341108.2).
Genomic context (GRCh38, chr19:18,857,335, plus strand): 5'-TTCACACCTGAGCTTCTTGACTTGTGGGGGCCCCTGTTCCTACAGCTGATCCTTGTAGGC[G>A]ACCACTGCCAGCTGGGCCCAGTGGTGATGTGCAAGAAGGCGGCCAAGGCCGGGCTGTCAC-3'
Protein context (NP_002902.2, residues 652-672): LGAKQLILVG[Asp662Asn]HCQLGPVVMC

ClinVar aggregate classification (germline): Pathogenic (1 of 4 stars; one submission).

Conditions:
Frontal bossing. Identifiers: MedGen C0221354, HP:0002007.
Hypertelorism. Identifiers: MedGen C0020534, OMIM 145400, HP:0000316.
Strabismus. Identifiers: MedGen C0038379, MONDO:0003432, HP:0000486.
Global developmental delay (DD). Also called: Cognitive delay. Identifiers: MedGen C0557874, HP:0001263. Disease mechanism: loss of function.
High anterior hairline. Identifiers: MedGen C3276036, HP:0009890.

gnomAD v4.1: 1 of 1,612,466 alleles (0.000062%); no homozygotes.

Submission:

Center for Medical Genetics, Keio University School of Medicine
Classification: Pathogenic for Frontal bossing; Hypertelorism; High anterior hairline; Strabismus; Global developmental delay. Last evaluated: 2022-08-01. Review status: criteria provided, single submitter. Criteria: ACMG Guidelines, 2015. Collection method: research. Allele origin: de novo. Inheritance: Autosomal dominant inheritance. Affected: yes. Observed: 1 heterozygote.
Comment: The substituted residue was located within the RecA-likeA domain of the helicase domain. Amino residues surrounding the substitution was highly conserved. This Asp662 residue was in proximity of the Q665 residue substitution of which abolishes ATPase activity (Chakrabarti et al., 2011) and Combined Annotation Dependent Depletion (CADD) score for this amino acid substitution was 32.2. This Asp662Asn variant has tabulated as a de novo variant in the report of exome analysis on patients with intellectual disability (Patient identification number DDD4K.01887, detail unknown) (Mcrae et al., 2017) but has never been reported in the global population database gnomAD or in the Japanese population database jMorp. In Drosophila, expression of the Drosophila homolog of the human UPF1 gene, Asp643Asn, was found to be embryonic or early larval lethal. This variant was classified as "pathogenic" (PS2 + PS3 + PM2) according to the ACMG/AMP guidelines (Richards et al., 2015).